The following is an entry in ClinVar:

NM_017671.5(FERMT1):c.1575_1577delinsGAA (p.Arg526Lys)

Gene: FERMT1 (FERM domain containing kindlin 1; minus strand). Cytogenetic location: 20p12.3.
Variant type: Indel.
Coding change: c.1575_1577delinsGAA on transcript NM_017671.5 (MANE Select); coding-DNA positions 1575 to 1577, AAG replaced by GAA.
Protein change: p.Arg526Lys; replaces arginine 526 with lysine.
Molecular consequence: missense variant.
Genome position (GRCh38, 1-based): chr20:6,085,082-6,085,084, CTT replaced by TTC on the plus strand (AAG replaced by GAA on the coding strand, the reverse complement: FERMT1 is on the minus strand). VCF-style: chr20-6085082-CTT-TTC. GRCh37 (hg19) VCF-style: chr20-6065729-CTT-TTC.
Other names: short protein forms R526K.
Identifiers: ClinVar variation 339213 (VCV000339213.7), dbSNP rs386812146, ClinGen allele CA10650147.

ClinVar aggregate classification (germline): Benign (1 of 4 stars; one submission).

Submission:

Unidad de Genómica Garrahan, Hospital de Pediatría Garrahan
Classification: Benign. Last evaluated: 2024-01-24. Review status: criteria provided, single submitter. Criteria: ACMG Guidelines, 2015. Collection method: clinical testing. Allele origin: germline. Affected: no. Observed: 64 variant alleles.
Comment: This variant is classified as Benign based on local population frequency. This variant was detected in 73% of patients studied by a panel of primary immunodeficiencies. Number of patients: 64. Only high quality variants are reported.